The following is an entry in ClinVar:

ClinVar aggregate classification (germline): Uncertain significance (1 of 4 stars; one submission).

Conditions:
Neuroblastoma, susceptibility to, 3. Also called: ALK-Related Neuroblastic Tumor Susceptibility. Identifiers: Orphanet 635, MedGen C2751681, MONDO:0013083, OMIM 613014.

gnomAD v4.1: 1 of 1,614,236 alleles (0.000062%); highest among the groups gnomAD compares: Admixed American, 0.0017%; no homozygotes.

Submission:

Labcorp Genetics (formerly Invitae), Labcorp
Classification: Uncertain significance for Neuroblastoma, susceptibility to, 3. Last evaluated: 2023-06-04. Review status: criteria provided, single submitter. Criteria: Invitae Variant Classification Sherloc (09022015). Collection method: clinical testing. Allele origin: germline.
Comment: This sequence change replaces asparagine, which is neutral and polar, with serine, which is neutral and polar, at codon 808 of the ALK protein (p.Asn808Ser). This variant is not present in population databases (gnomAD no frequency). In summary, the available evidence is currently insufficient to determine the role of this variant in disease. Therefore, it has been classified as a Variant of Uncertain Significance. Algorithms developed to predict the effect of sequence changes on RNA splicing suggest that this variant may create or strengthen a splice site. An algorithm developed to predict the effect of missense changes on protein structure and function (PolyPhen-2) suggests that this variant is likely to be disruptive. ClinVar contains an entry for this variant (Variation ID: 1391141). This variant has not been reported in the literature in individuals affected with ALK-related conditions.

NM_004304.5(ALK):c.2423A>G (p.Asn808Ser)

Gene: ALK (ALK receptor tyrosine kinase; minus strand). Cytogenetic location: 2p23.2.
Variant type: single nucleotide variant.
Coding change: c.2423A>G on transcript NM_004304.5 (MANE Select); coding-DNA position 2423, A replaced by G.
Protein change: p.Asn808Ser; replaces asparagine 808 with serine.
Molecular consequence: missense variant.
Genome position (GRCh38, 1-based): chr2:29,233,629, T>C on the plus strand (A>G on the coding strand, the complement: ALK is on the minus strand). VCF-style: chr2-29233629-T-C. GRCh37 (hg19) VCF-style: chr2-29456495-T-C.
Other names: short protein forms N808S.
Identifiers: ClinVar variation 1391141 (VCV001391141.6), dbSNP rs2148184532, ClinGen allele CA346472290.